The following is an entry in ClinVar:

NM_000538.4(RFXAP):c.441C>A (p.Ser147Arg)

Gene: RFXAP (regulatory factor X associated protein; plus strand). Cytogenetic location: 13q13.3.
Variant type: single nucleotide variant.
Coding change: c.441C>A on transcript NM_000538.4 (MANE Select); coding-DNA position 441, C replaced by A.
Protein change: p.Ser147Arg; replaces serine 147 with arginine.
Molecular consequence: missense variant.
Genome position (GRCh38, 1-based): chr13:36,819,798, C>A. VCF-style: chr13-36819798-C-A. GRCh37 (hg19) VCF-style: chr13-37393935-C-A.
Other names: short protein forms S147R.
Identifiers: ClinVar variation 2570861 (VCV002570861.27), dbSNP rs2057956017, ClinGen allele CA387855425.

ClinVar aggregate classification (germline): Uncertain significance (1 of 4 stars; one submission).

Allele frequency attached by ClinVar (database versions not stated): gnomAD 0.00001.
gnomAD v4.1: 1 of 1,587,542 alleles (0.000063%); highest among the groups gnomAD compares: Non-Finnish European, 0.000086%; no homozygotes.

Submission:

CeGaT Center for Human Genetics Tuebingen
Classification: Uncertain significance. Last evaluated: 2023-04-01. Review status: criteria provided, single submitter. Criteria: CeGaT Center For Human Genetics Tuebingen Variant Classification Criteria Version 2. Collection method: clinical testing. Allele origin: germline. Affected: yes. Observed: 1 variant allele.
Comment: RFXAP: PM2